The following is an entry in ClinVar:

NM_004371.4(COPA):c.1406C>T (p.Ala469Val)

Gene: COPA (coat protein complex I subunit alpha; minus strand). Cytogenetic location: 1q23.2.
Variant type: single nucleotide variant.
Coding change: c.1406C>T on transcript NM_004371.4 (MANE Select); coding-DNA position 1406, C replaced by T.
Protein change: p.Ala469Val; replaces alanine 469 with valine.
Molecular consequence: missense variant.
Genome position (GRCh38, 1-based): chr1:160,306,390, G>A on the plus strand (C>T on the coding strand, the complement: COPA is on the minus strand). VCF-style: chr1-160306390-G-A. GRCh37 (hg19) VCF-style: chr1-160276180-G-A.
Other names: c.1406C>T, p.Ala469Val (NM_001098398.2, LRG_1336t1); short protein forms A469V.
Identifiers: ClinVar variation 569911 (VCV000569911.9), dbSNP rs761705607, ClinGen allele CA1198111.

ClinVar aggregate classification (germline): Uncertain significance. Review status: criteria provided, multiple submitters, no conflicts (2 of 4 stars). 2 submissions from 2 submitters: Uncertain significance (2). Last evaluated 2025-11-13.

Conditions:
Autoimmune interstitial lung disease-arthritis syndrome. Also called: Autoinflammation and autoimmunity, systemic, with immune dysregulation. Identifiers: Orphanet 444092, MedGen C5975714, MONDO:0014629.

Allele frequency attached by ClinVar (database versions not stated): gnomAD 0.00001 and 0.00002; gnomAD exomes 0.00001 and 0.00002; TOPMed 0.00001; ExAC 0.00002.
gnomAD v4.1: 22 of 1,612,976 alleles (0.0014%); highest among the groups gnomAD compares: East Asian, 0.0022%; no homozygotes.

Submissions (2):

Labcorp Genetics (formerly Invitae), Labcorp
Classification: Uncertain significance for Autoimmune interstitial lung disease-arthritis syndrome. Last evaluated: 2025-11-13. Review status: criteria provided, single submitter. Criteria: Invitae Variant Classification Sherloc (09022015). Collection method: clinical testing. Allele origin: germline.
Comment: This sequence change replaces alanine, which is neutral and non-polar, with valine, which is neutral and non-polar, at codon 469 of the COPA protein (p.Ala469Val). This variant is present in population databases (rs761705607, gnomAD 0.003%). This variant has not been reported in the literature in individuals affected with COPA-related conditions. ClinVar contains an entry for this variant (Variation ID: 569911). Invitae Evidence Modeling of protein sequence and biophysical properties (such as structural, functional, and spatial information, amino acid conservation, physicochemical variation, residue mobility, and thermodynamic stability) indicates that this missense variant is not expected to disrupt COPA protein function with a negative predictive value of 80%. In summary, the available evidence is currently insufficient to determine the role of this variant in disease. Therefore, it has been classified as a Variant of Uncertain Significance.

Blueprint Genetics
Classification: Uncertain significance. Last evaluated: 2022-11-24. Review status: criteria provided, single submitter. Criteria: ACMG Guidelines, 2015. Collection method: clinical testing. Allele origin: germline.